The following is an entry in ClinVar:

NM_000342.4(SLC4A1):c.2702G>C (p.Arg901Pro)

Gene: SLC4A1 (solute carrier family 4 member 1 (Diego blood group); minus strand). Cytogenetic location: 17q21.31.
Variant type: single nucleotide variant.
Coding change: c.2702G>C on transcript NM_000342.4 (MANE Select); coding-DNA position 2702, G replaced by C.
Protein change: p.Arg901Pro; replaces arginine 901 with proline.
Molecular consequence: missense variant.
Genome position (GRCh38, 1-based): chr17:44,250,492, C>G on the plus strand (G>C on the coding strand, the complement: SLC4A1 is on the minus strand). VCF-style: chr17-44250492-C-G. GRCh37 (hg19) VCF-style: chr17-42327860-C-G.
Other names: short protein forms R901P.
Identifiers: ClinVar variation 1017727 (VCV001017727.10), dbSNP rs189300762, ClinGen allele CA399778994.

ClinVar aggregate classification (germline): Uncertain significance. Review status: criteria provided, multiple submitters, no conflicts (2 of 4 stars). 2 submissions from 2 submitters: Uncertain significance (2). Last evaluated 2021-09-23.

Conditions:
Southeast Asian ovalocytosis. Also called: Stomatocytic elliptocytosis, hereditary; Ovalocytosis, Malaysian-Melanesian-Filipino type; HE, STOMATOCYTIC; Elliptocytosis 4. Identifiers: Orphanet 98868, MedGen C1862322, MONDO:0008165, OMIM 166900.
Cryohydrocytosis. Also called: CRYOHYDROCYTOSIS DUE TO BAND 3 HEMEL; CRYOHYDROCYTOSIS DUE TO BAND 3 HURSTPIERPOINT; CRYOHYDROCYTOSIS DUE TO BAND 3 BLACKBURN; STOMATOCYTOSIS, COLD-SENSITIVE; Hereditary cryohydrocytosis with normal stomatin. Identifiers: Orphanet 398088, MedGen C1861453, MONDO:0008494, OMIM 185020.
Autosomal dominant distal renal tubular acidosis (DRTA1). Also called: RENAL TUBULAR ACIDOSIS, DISTAL, 1; RTA, CLASSIC TYPE; RTA, DISTAL TYPE, AUTOSOMAL DOMINANT; RTA, GRADIENT TYPE; Renal Tubular Acidosis, Type I. Identifiers: Orphanet 93608, MedGen CN280572, MONDO:0008368, OMIM 179800.
Renal tubular acidosis, distal, 4, with hemolytic anemia. Also called: Renal Tubular Acidosis, Distal, with Hemolytic Anemia. Identifiers: Orphanet 93610, MedGen C5436235, MONDO:0012700, OMIM 611590.
Hereditary spherocytosis type 4. Also called: SLC4A1-Related Spherocytosis. Identifiers: Orphanet 822, MedGen C2675212, MONDO:0012981, OMIM 612653.
Malaria, susceptibility to. Identifiers: Orphanet 673, MedGen C1970028, MONDO:0021024, OMIM 611162.
BLOOD GROUP--FROESE (FR). Also called: FROESE BLOOD GROUP ANTIGEN. Identifiers: MedGen C1832168, OMIM 601551.
BLOOD GROUP--WRIGHT ANTIGEN (WR). Identifiers: MedGen C1862190, OMIM 112050.
BLOOD GROUP--SWANN SYSTEM (SW). Also called: SWANN BLOOD GROUP. Identifiers: MedGen C1832169, OMIM 601550.
BLOOD GROUP--DIEGO SYSTEM (DI). Identifiers: MedGen C1292286, OMIM 110500.
BLOOD GROUP, WALDNER (WD). Also called: WALDNER BLOOD GROUP ANTIGEN. Identifiers: MedGen C1862191, OMIM 112010.

Submissions (2):

Fulgent Genetics
Classification: Uncertain significance for BLOOD GROUP--DIEGO SYSTEM; BLOOD GROUP, WALDNER; BLOOD GROUP--WRIGHT ANTIGEN; Southeast Asian ovalocytosis; Autosomal dominant distal renal tubular acidosis; Cryohydrocytosis; BLOOD GROUP--SWANN SYSTEM; BLOOD GROUP--FROESE; Malaria, susceptibility to; Renal tubular acidosis, distal, 4, with hemolytic anemia; Hereditary spherocytosis type 4. Last evaluated: 2021-09-23. Review status: criteria provided, single submitter. Criteria: ACMG Guidelines, 2015. Collection method: clinical testing. Allele origin: unknown.

Labcorp Genetics (formerly Invitae), Labcorp
Classification: Uncertain significance. Last evaluated: 2020-09-05. Review status: criteria provided, single submitter. Criteria: Invitae Variant Classification Sherloc (09022015). Collection method: clinical testing. Allele origin: germline.
Comment: In summary, the available evidence is currently insufficient to determine the role of this variant in disease. Therefore, it has been classified as a Variant of Uncertain Significance. Algorithms developed to predict the effect of missense changes on protein structure and function (SIFT, PolyPhen-2, Align-GVGD) all suggest that this variant is likely to be tolerated, but these predictions have not been confirmed by published functional studies and their clinical significance is uncertain. This variant has not been reported in the literature in individuals with SLC4A1-related conditions. This variant is not present in population databases (ExAC no frequency). This sequence change replaces arginine with proline at codon 901 of the SLC4A1 protein (p.Arg901Pro). The arginine residue is weakly conserved and there is a moderate physicochemical difference between arginine and proline.